The following is an entry in ClinVar:

ClinVar aggregate classification (germline): Uncertain significance (1 of 4 stars; one submission).

Allele frequency attached by ClinVar (database versions not stated): gnomAD exomes 0.00001; ExAC 0.00003; gnomAD 0.00003; TOPMed 0.00003; 1000 Genomes Project 30x 0.00016; 1000 Genomes Project 0.00020.
gnomAD v4.1: 17 of 1,610,174 alleles (0.0011%); highest among the groups gnomAD compares: East Asian, 0.016%; no homozygotes.

Submissions (3):

Labcorp Genetics (formerly Invitae), Labcorp
Classification: Uncertain significance. Last evaluated: 2023-06-16. Review status: criteria provided, single submitter. Criteria: Invitae Variant Classification Sherloc (09022015). Collection method: clinical testing. Allele origin: germline.
Comment: In summary, the available evidence is currently insufficient to determine the role of this variant in disease. Therefore, it has been classified as a Variant of Uncertain Significance. Advanced modeling of protein sequence and biophysical properties (such as structural, functional, and spatial information, amino acid conservation, physicochemical variation, residue mobility, and thermodynamic stability) performed at Invitae indicates that this missense variant is not expected to disrupt FECH protein function. This variant has not been reported in the literature in individuals affected with FECH-related conditions. This variant is present in population databases (rs570262703, gnomAD 0.04%). This sequence change replaces leucine, which is neutral and non-polar, with valine, which is neutral and non-polar, at codon 265 of the FECH protein (p.Leu265Val).

Dr. Peter K. Rogan Lab, Western University
No classification provided (evidence only). Condition: Cervical cancer. Review status: no classification provided. Collection method: in vitro. Allele origin: not applicable. Functional consequence: retained intron. Not counted in ClinVar's aggregate classification.

Dr. Peter K. Rogan Lab, Western University
No classification provided (evidence only). Condition: Hepatocellular carcinoma. Review status: no classification provided. Collection method: in vitro. Allele origin: not applicable. Functional consequence: retained intron. Not counted in ClinVar's aggregate classification.

NM_000140.5(FECH):c.793C>G (p.Leu265Val)

Gene: FECH (ferrochelatase; minus strand). Cytogenetic location: 18q21.31.
Variant type: single nucleotide variant.
Coding change: c.793C>G on transcript NM_000140.5 (MANE Select); coding-DNA position 793, C replaced by G.
Protein change: p.Leu265Val; replaces leucine 265 with valine.
Molecular consequence: missense variant. On other transcripts: intron variant (1).
Genome position (GRCh38, 1-based): chr18:57,559,156, G>C on the plus strand (C>G on the coding strand, the complement: FECH is on the minus strand). VCF-style: chr18-57559156-G-C. GRCh37 (hg19) VCF-style: chr18-55226388-G-C.
Other names: c.811C>G, p.Leu271Val (NM_001012515.4); c.577C>G, p.Leu193Val (NM_001371095.1); c.793C>G, p.Leu265Val (NM_001374778.1); c.705+3718C>G (NM_001371094.1); short protein forms L193V, L271V, L265V.
Identifiers: ClinVar variation 2960520 (VCV002960520.4), dbSNP rs570262703, ClinGen allele CA8973113.